The following is an entry in ClinVar:

NM_002016.2(FLG):c.7487del (p.Thr2496fs)

Genes: CCDST (cervical cancer associated DHX9 suppressive transcript; plus strand), FLG (filaggrin; minus strand). Cytogenetic location: 1q21.3.
Variant type: Deletion.
Coding change: c.7487del on transcript NM_002016.2 (MANE Select); coding-DNA position 7487, one base deleted (C; older notation c.7487delC).
Protein change: p.Thr2496fs; shifts the reading frame from threonine 2496.
Molecular consequence: frameshift variant.
Genome position (GRCh38, 1-based): chr1:152,307,399, G deleted on the plus strand (C on the coding strand, the reverse complement: FLG is on the minus strand). VCF-style (leftmost placement, unchanged base first): chr1-152307398-TG-T. GRCh37 (hg19) VCF-style: chr1-152279874-TG-T.
Other names: c.7487delC (NM_002016.1); short protein forms T2496fs.
Identifiers: ClinVar variation 280218 (VCV000280218.19), dbSNP rs774362740, ClinGen allele CA1104693.
Genomic context (GRCh38, chr1:152,307,398, plus strand): 5'-TTGTCTGCTTGCACTTCTGGATCCTGAGTGCCCATGGGAGGCATCAGACCTTCCCTGGGA[TG>T]TGGTGTGGCTGTGATGAGACCCTGAGTGTCCAGATCTATCTACCAATTGCTCGTAGTGGG-3'

ClinVar aggregate classification (germline): Pathogenic/Likely pathogenic. Review status: criteria provided, multiple submitters, no conflicts (2 of 4 stars). 9 submissions from 9 submitters: Pathogenic (3); Likely pathogenic (6). Last evaluated 2026-01-23.

Conditions:
FLG-related disorder. Also called: FLG-related condition; FLG-related disorders.
Dermatitis, atopic, 2. Identifiers: MedGen C1853965, MONDO:0011596, OMIM 605803.
Ichthyosis vulgaris. Also called: Dominant ichthyosis vulgaris; ICHTHYOSIS SIMPLEX. Identifiers: MedGen C0079584, MONDO:0024304, OMIM 146700.

Allele frequency attached by ClinVar (database versions not stated): gnomAD exomes 0.00003; ExAC 0.00005; gnomAD 0.00005; TOPMed 0.00007.

Submissions (9):

Variantyx, Inc.
Classification: Likely pathogenic for Dermatitis, atopic, 2. Last evaluated: 2026-01-23. Review status: criteria provided, single submitter. Criteria: Variantyx Assertion Criteria 2022. Collection method: clinical testing. Allele origin: germline. Inheritance: Autosomal dominant inheritance. Affected: no.
Comment: This is a frameshift variant in the FLG gene (OMIM: 135940). Pathogenic variants in this gene have been associated with autosomal dominant atopic dermatitis 2. This variant introduces a premature termination codon in exon 3 out of 3 and is expected to result in loss of function, which is a known disease mechanism for FLG in this disorder(PMID:27793761) (PVS1). It has been reported in at least 2 unrelated affected individuals (PMID: 26340974, 35042220) and has a 0.0648% maximum allele frequency in non-founder control populations, which is lower than expected for the prevalence of autosomal dominant atopic dermatitis 2 (PM2). Inheritance from an unaffected or mildly affected parent has been reported, consistent with incomplete penetrance and variable expressivity (PMID 27667308). Based on the current evidence, this variant is classified as likely pathogenic for autosomal dominant atopic dermatitis 2.

Blueprint Genetics
Classification: Likely pathogenic for FLG-related disorders. Last evaluated: 2024-10-09. Review status: criteria provided, single submitter. Criteria: ACMG Guidelines, 2015. Collection method: clinical testing. Allele origin: germline. Affected: yes. Observed: 5 variant alleles.

Greenwood Genetic Center Diagnostic Laboratories, Greenwood Genetic Center
Classification: Pathogenic for Ichthyosis vulgaris. Last evaluated: 2024-07-18. Review status: criteria provided, single submitter. Criteria: ACMG Guidelines, 2015. Collection method: clinical testing. Allele origin: germline. Affected: yes.
Comment: PVS1, PS3_Supporting, PM3_Supporting

Revvity Omics, Revvity
Classification: Likely pathogenic for Ichthyosis vulgaris. Last evaluated: 2023-12-22. Review status: criteria provided, single submitter. Criteria: ACMG Guidelines, 2015. Collection method: clinical testing. Allele origin: germline.

Department of Pathology and Laboratory Medicine, Sinai Health System
Classification: Likely pathogenic for Ichthyosis vulgaris. Last evaluated: 2023-09-03. Review status: criteria provided, single submitter. Criteria: ACMG Guidelines, 2015. Collection method: research. Allele origin: germline.

3billion
Classification: Pathogenic for Ichthyosis vulgaris. Last evaluated: 2023-07-25. Review status: criteria provided, single submitter. Criteria: ACMG Guidelines, 2015. Collection method: clinical testing. Allele origin: germline. Affected: yes.
Comment: The variant is observed at an extremely low frequency in the gnomAD v2.1.1 dataset (total allele frequency: 0.003%). Predicted Consequence/Location: Frameshift: predicted to result in a loss or disruption of normal protein function through protein truncation. The predicted truncated protein may be shortened by more than 10%. The variant has been reported at least twice as pathogenic with clinical assertions and evidence for the classification (ClinVar ID: VCV000280218 /PMID: 26340974 /3billion dataset). Therefore, this variant is classified as Pathogenic according to the recommendation of ACMG/AMP guideline.

Genome-Nilou Lab
Classification: Likely pathogenic for Ichthyosis vulgaris. Last evaluated: 2023-04-11. Review status: criteria provided, single submitter. Criteria: ACMG Guidelines, 2015. Collection method: clinical testing. Allele origin: germline. Affected: no.

GeneDx
Classification: Pathogenic. Last evaluated: 2022-08-02. Review status: criteria provided, single submitter. Criteria: GeneDx Variant Classification Process June 2021. Collection method: clinical testing. Allele origin: germline. Affected: yes.
Comment: Frameshift variant in the C-terminus predicted to result in protein truncation, as the last 156 amino acids are lost and replaced with 103 incorrect amino acids; This variant is associated with the following publications: (PMID: 26340974, 31589614, 35042220)

Juno Genomics, Hangzhou Juno Genomics, Inc
Classification: Likely pathogenic for Dermatitis, atopic, 2; Ichthyosis vulgaris. Review status: criteria provided, single submitter. Criteria: ACMG Guidelines, 2015. Collection method: clinical testing. Allele origin: germline.
Comment: Absent from controls (or at extremely low frequency if recessive) in Genome Aggregation Database.;Null variant in a gene where loss of function (LOF) is a known mechanism of disease.;The prevalence of the variant in affected individuals is significantly increased compared to the prevalence in controls.

Literature cited by the submitters: PubMed 27793761 (cited by Variantyx, Inc.); PubMed 26340974 (cited by Variantyx, Inc. and 3billion); PubMed 35042220 (cited by Variantyx, Inc.).